The following is an entry in ClinVar:

NM_000361.3(THBD):c.858G>T (p.Gln286His)

Gene: THBD (thrombomodulin; minus strand). Cytogenetic location: 20p11.21.
Variant type: single nucleotide variant.
Coding change: c.858G>T on transcript NM_000361.3 (MANE Select); coding-DNA position 858, G replaced by T.
Protein change: p.Gln286His; replaces glutamine 286 with histidine.
Molecular consequence: missense variant.
Genome position (GRCh38, 1-based): chr20:23,048,647, C>A on the plus strand (G>T on the coding strand, the complement: THBD is on the minus strand). VCF-style: chr20-23048647-C-A. GRCh37 (hg19) VCF-style: chr20-23029284-C-A.
Other names: short protein forms Q286H.
Identifiers: ClinVar variation 3642310 (VCV003642310.2).

ClinVar aggregate classification (germline): Uncertain significance (1 of 4 stars; one submission).

Submission:

Labcorp Genetics (formerly Invitae), Labcorp
Classification: Uncertain significance. Last evaluated: 2024-02-20. Review status: criteria provided, single submitter. Criteria: Invitae Variant Classification Sherloc (09022015). Collection method: clinical testing. Allele origin: germline.
Comment: This sequence change replaces glutamine, which is neutral and polar, with histidine, which is basic and polar, at codon 286 of the THBD protein (p.Gln286His). This variant is not present in population databases (gnomAD no frequency). This variant has not been reported in the literature in individuals affected with THBD-related conditions. Advanced modeling of protein sequence and biophysical properties (such as structural, functional, and spatial information, amino acid conservation, physicochemical variation, residue mobility, and thermodynamic stability) performed at Invitae indicates that this missense variant is not expected to disrupt THBD protein function with a negative predictive value of 80%. In summary, the available evidence is currently insufficient to determine the role of this variant in disease. Therefore, it has been classified as a Variant of Uncertain Significance.